The following is an entry in ClinVar:

NM_021620.4(PRDM13):c.2056G>T (p.Val686Leu)

Gene: PRDM13 (PR/SET domain 13; plus strand). Cytogenetic location: 6q16.2.
Variant type: single nucleotide variant.
Coding change: c.2056G>T on transcript NM_021620.4 (MANE Select); coding-DNA position 2056, G replaced by T.
Protein change: p.Val686Leu; replaces valine 686 with leucine.
Molecular consequence: missense variant.
Genome position (GRCh38, 1-based): chr6:99,614,691, G>T. VCF-style: chr6-99614691-G-T. GRCh37 (hg19) VCF-style: chr6-100062567-G-T.
Other names: short protein forms V686L.
Identifiers: ClinVar variation 2779923 (VCV002779923.3), dbSNP rs754415402, ClinGen allele CA3936497.

ClinVar aggregate classification (germline): Uncertain significance (1 of 4 stars; one submission).

Allele frequency attached by ClinVar (database versions not stated): TOPMed below 0.00001; ExAC 0.00002.

Submission:

Labcorp Genetics (formerly Invitae), Labcorp
Classification: Uncertain significance. Last evaluated: 2023-12-23. Review status: criteria provided, single submitter. Criteria: Invitae Variant Classification Sherloc (09022015). Collection method: clinical testing. Allele origin: germline.
Comment: This sequence change replaces valine, which is neutral and non-polar, with leucine, which is neutral and non-polar, at codon 686 of the PRDM13 protein (p.Val686Leu). This variant is present in population databases (rs754415402, gnomAD 0.003%). This variant has not been reported in the literature in individuals affected with PRDM13-related conditions. An algorithm developed to predict the effect of missense changes on protein structure and function (PolyPhen-2) suggests that this variant is likely to be disruptive. In summary, the available evidence is currently insufficient to determine the role of this variant in disease. Therefore, it has been classified as a Variant of Uncertain Significance.